The following is an entry in ClinVar:

ClinVar aggregate classification (germline): Uncertain significance. Review status: criteria provided, multiple submitters, no conflicts (2 of 4 stars). 2 submissions from 2 submitters: Uncertain significance (2). Last evaluated 2023-09-13.

Conditions:
Hereditary cancer-predisposing syndrome. Also called: Hereditary Cancer Syndrome; Hereditary neoplastic syndrome; Neoplastic Syndromes, Hereditary; Tumor predisposition. Identifiers: Orphanet 140162, MedGen C0027672, MeSH D009386, MONDO:0015356.

Allele frequency attached by ClinVar (database versions not stated): TOPMed below 0.00001.

Submissions (2):

GeneDx
Classification: Uncertain significance. Last evaluated: 2023-09-13. Review status: criteria provided, single submitter. Criteria: GeneDx Variant Classification Process June 2021. Collection method: clinical testing. Allele origin: germline. Affected: yes.
Comment: Not observed at significant frequency in large population cohorts (gnomAD); In silico analysis supports that this missense variant has a deleterious effect on protein structure/function; Has not been previously published as pathogenic or benign to our knowledge; This variant is associated with the following publications: (PMID: Gordon2000[Book])

Ambry Genetics
Classification: Uncertain significance for Hereditary cancer-predisposing syndrome. Last evaluated: 2021-11-22. Review status: criteria provided, single submitter. Criteria: Ambry Variant Classification Scheme 2023. Collection method: clinical testing. Allele origin: germline.
Comment: The p.A51D variant (also known as c.152C>A), located in coding exon 1 of the FANCC gene, results from a C to A substitution at nucleotide position 152. The alanine at codon 51 is replaced by aspartic acid, an amino acid with dissimilar properties. This amino acid position is conserved. In addition, this alteration is predicted to be tolerated by in silico analysis. Since supporting evidence is limited at this time, the clinical significance of this alteration remains unclear.

NM_000136.3(FANCC):c.152C>A (p.Ala51Asp)

Gene: FANCC (FA complementation group C; minus strand). Cytogenetic location: 9q22.32.
Variant type: single nucleotide variant.
Coding change: c.152C>A on transcript NM_000136.3 (MANE Select); coding-DNA position 152, C replaced by A.
Protein change: p.Ala51Asp; replaces alanine 51 with aspartic acid.
Molecular consequence: missense variant.
Genome position (GRCh38, 1-based): chr9:95,249,140, G>T on the plus strand (C>A on the coding strand, the complement: FANCC is on the minus strand). VCF-style: chr9-95249140-G-T. GRCh37 (hg19) VCF-style: chr9-98011422-G-T.
Other names: c.152C>A, p.Ala51Asp (NM_001243743.2, NM_001243744.2); short protein forms A51D.
Identifiers: ClinVar variation 1774586 (VCV001774586.5), dbSNP rs1831171292, ClinGen allele CA374340214.